The following is an entry in ClinVar:

NM_001365480.1(CCDC88A):c.543G>A (p.Met181Ile)

Gene: CCDC88A (coiled-coil domain containing 88A; minus strand). Cytogenetic location: 2p16.1.
Variant type: single nucleotide variant.
Coding change: c.543G>A on transcript NM_001365480.1 (MANE Select); coding-DNA position 543, G replaced by A.
Protein change: p.Met181Ile; replaces methionine 181 with isoleucine.
Molecular consequence: missense variant.
Genome position (GRCh38, 1-based): chr2:55,362,392, C>T on the plus strand (G>A on the coding strand, the complement: CCDC88A is on the minus strand). VCF-style: chr2-55362392-C-T. GRCh37 (hg19) VCF-style: chr2-55589528-C-T.
Other names: c.543G>A, p.Met181Ile (NM_001135597.2, NM_001254943.2, NM_018084.5); short protein forms M181I.
Identifiers: ClinVar variation 1347598 (VCV001347598.6), dbSNP rs758258662, ClinGen allele CA1666349.

ClinVar aggregate classification (germline): Conflicting classifications of pathogenicity. Review status: criteria provided, conflicting classifications (1 of 4 stars). 2 submissions from 2 submitters: Uncertain significance (1); Likely benign (1). Last evaluated 2024-09-20.

Conditions:
PEHO-like syndrome. Also called: PROGRESSIVE ENCEPHALOPATHY WITH EDEMA, HYPSARRHYTHMIA, AND OPTIC ATROPHY-LIKE SYNDROME. Identifiers: Orphanet 99807, MedGen C1850056, MONDO:0020495, OMIM 617507.

Allele frequency attached by ClinVar (database versions not stated): gnomAD 0.00001; gnomAD exomes 0.00002 and 0.00004; TOPMed 0.00002; ExAC 0.00003.

Submissions (2):

3billion
Classification: Likely benign for PEHO-like syndrome. Last evaluated: 2024-09-20. Review status: criteria provided, single submitter. Criteria: ACMG Guidelines, 2015. Collection method: clinical testing. Allele origin: germline. Affected: no.
Comment: The homozygous variant was found in patients diagnosed with another variant in a different gene, with no symptoms related to the gene containing the homozygous variant.

Labcorp Genetics (formerly Invitae), Labcorp
Classification: Uncertain significance. Last evaluated: 2022-08-09. Review status: criteria provided, single submitter. Criteria: Invitae Variant Classification Sherloc (09022015). Collection method: clinical testing. Allele origin: germline.
Comment: In summary, the available evidence is currently insufficient to determine the role of this variant in disease. Therefore, it has been classified as a Variant of Uncertain Significance. Algorithms developed to predict the effect of missense changes on protein structure and function output the following: SIFT: "Tolerated"; PolyPhen-2: "Benign"; Align-GVGD: "Class C0". The isoleucine amino acid residue is found in multiple mammalian species, which suggests that this missense change does not adversely affect protein function. ClinVar contains an entry for this variant (Variation ID: 1347598). This variant has not been reported in the literature in individuals affected with CCDC88A-related conditions. This variant is present in population databases (rs758258662, gnomAD 0.02%). This sequence change replaces methionine, which is neutral and non-polar, with isoleucine, which is neutral and non-polar, at codon 181 of the CCDC88A protein (p.Met181Ile).